The following is an entry in ClinVar:

ClinVar aggregate classification (germline): Likely pathogenic (1 of 4 stars; one submission).

Submission:

GeneDx
Classification: Likely pathogenic. Last evaluated: 2016-04-19. Review status: criteria provided, single submitter. Criteria: GeneDx Variant Classification (06012015). Collection method: clinical testing. Allele origin: germline. Affected: yes.
Comment: The Y54X likely pathogenic variant in the KCNH2 gene has not been reported as a pathogenic variant or as a benign variant to our knowledge. This variant is predicted to cause loss of normal protein function either by protein truncation or nonsense-mediated mRNA decay. Other nonsense variants in the KCNH2 gene have been reported in Human Gene Mutation Database in association with LQTS (Stenson et al., 2014). Furthermore, the Y54X likely pathogenic variant was not observed in approximately 6,500 individuals of European and African American ancestry in the NHLBI Exome Sequencing Project, indicating it is not a common benign variant in these populations.In summary, Y54X in the KCNH2 gene is expected to be pathogenic

NM_000238.4(KCNH2):c.162C>A (p.Tyr54Ter)

Gene: KCNH2 (potassium voltage-gated channel subfamily H member 2; minus strand). Cytogenetic location: 7q36.1.
Variant type: single nucleotide variant.
Coding change: c.162C>A on transcript NM_000238.4 (MANE Select); coding-DNA position 162, C replaced by A.
Protein change: p.Tyr54Ter; replaces tyrosine 54 with a stop codon.
Molecular consequence: nonsense.
Genome position (GRCh38, 1-based): chr7:150,974,856, G>T on the plus strand (C>A on the coding strand, the complement: KCNH2 is on the minus strand). VCF-style: chr7-150974856-G-T. GRCh37 (hg19) VCF-style: chr7-150671944-G-T.
Other names: c.-16C>A (NM_001406755.1); c.162C>A, p.Tyr54Ter (NM_172056.3); short protein forms Y54*.
Identifiers: ClinVar variation 488895 (VCV000488895.4), dbSNP rs1554430962, ClinGen allele CA369865776.